The following is an entry in ClinVar:

ClinVar aggregate classification (germline): Uncertain significance (1 of 4 stars; one submission).

gnomAD v4.1: 1 of 1,614,216 alleles (0.000062%); no homozygotes.

Submission:

Labcorp Genetics (formerly Invitae), Labcorp
Classification: Uncertain significance. Last evaluated: 2022-04-06. Review status: criteria provided, single submitter. Criteria: Invitae Variant Classification Sherloc (09022015). Collection method: clinical testing. Allele origin: germline.
Comment: Algorithms developed to predict the effect of missense changes on protein structure and function (SIFT, PolyPhen-2, Align-GVGD) all suggest that this variant is likely to be tolerated. This sequence change replaces glycine, which is neutral and non-polar, with serine, which is neutral and polar, at codon 349 of the RNF168 protein (p.Gly349Ser). This variant is not present in population databases (gnomAD no frequency). This variant has not been reported in the literature in individuals affected with RNF168-related conditions. In summary, the available evidence is currently insufficient to determine the role of this variant in disease. Therefore, it has been classified as a Variant of Uncertain Significance.

NM_152617.4(RNF168):c.1045G>A (p.Gly349Ser)

Gene: RNF168 (ring finger protein 168; minus strand). Cytogenetic location: 3q29.
Variant type: single nucleotide variant.
Coding change: c.1045G>A on transcript NM_152617.4 (MANE Select); coding-DNA position 1045, G replaced by A.
Protein change: p.Gly349Ser; replaces glycine 349 with serine.
Molecular consequence: missense variant.
Genome position (GRCh38, 1-based): chr3:196,472,490, C>T on the plus strand (G>A on the coding strand, the complement: RNF168 is on the minus strand). VCF-style: chr3-196472490-C-T. GRCh37 (hg19) VCF-style: chr3-196199361-C-T.
Other names: short protein forms G349S.
Identifiers: ClinVar variation 2122140 (VCV002122140.4), dbSNP rs2474275321, ClinGen allele CA355617379.